The following is an entry in ClinVar:

ClinVar aggregate classification (germline): Uncertain significance (1 of 4 stars; one submission).

Conditions:
Familial cold autoinflammatory syndrome 2 (FCAS2). Identifiers: Orphanet 247868, MedGen C2673198, MONDO:0012724, OMIM 611762.

Submission:

Labcorp Genetics (formerly Invitae), Labcorp
Classification: Uncertain significance for Familial cold autoinflammatory syndrome 2. Last evaluated: 2024-12-12. Review status: criteria provided, single submitter. Criteria: Invitae Variant Classification Sherloc (09022015). Collection method: clinical testing. Allele origin: germline.
Comment: This sequence change replaces asparagine, which is neutral and polar, with lysine, which is basic and polar, at codon 714 of the NLRP12 protein (p.Asn714Lys). This variant is not present in population databases (gnomAD no frequency). This variant has not been reported in the literature in individuals affected with NLRP12-related conditions. An algorithm developed to predict the effect of missense changes on protein structure and function (PolyPhen-2) suggests that this variant is likely to be disruptive. In summary, the available evidence is currently insufficient to determine the role of this variant in disease. Therefore, it has been classified as a Variant of Uncertain Significance.

NM_144687.4(NLRP12):c.2142C>G (p.Asn714Lys)

Gene: NLRP12 (NLR family pyrin domain containing 12; minus strand). Cytogenetic location: 19q13.42.
Variant type: single nucleotide variant.
Coding change: c.2142C>G on transcript NM_144687.4 (MANE Select); coding-DNA position 2142, C replaced by G.
Protein change: p.Asn714Lys; replaces asparagine 714 with lysine.
Molecular consequence: missense variant.
Genome position (GRCh38, 1-based): chr19:53,807,596, G>C on the plus strand (C>G on the coding strand, the complement: NLRP12 is on the minus strand). VCF-style: chr19-53807596-G-C. GRCh37 (hg19) VCF-style: chr19-54310850-G-C.
Other names: c.2145C>G, p.Asn715Lys (NM_001277126.2); c.2142C>G, p.Asn714Lys (NM_001277129.1); short protein forms N714K, N715K.
Identifiers: ClinVar variation 3727204 (VCV003727204.2).